The following is an entry in ClinVar:

NM_000059.4(BRCA2):c.8275G>C (p.Val2759Leu)

Gene: BRCA2 (BRCA2 DNA repair associated; plus strand). Cytogenetic location: 13q13.1.
Variant type: single nucleotide variant.
Coding change: c.8275G>C on transcript NM_000059.4 (MANE Select); coding-DNA position 8275, G replaced by C.
Protein change: p.Val2759Leu; replaces valine 2759 with leucine.
Molecular consequence: missense variant.
Genome position (GRCh38, 1-based): chr13:32,363,477, G>C. VCF-style: chr13-32363477-G-C. GRCh37 (hg19) VCF-style: chr13-32937614-G-C.
Other names: short protein forms V2759L.
Identifiers: ClinVar variation 827550 (VCV000827550.22), dbSNP rs1320594065, ClinGen allele CA387750059.

ClinVar aggregate classification (germline): Conflicting classifications of pathogenicity. Review status: criteria provided, conflicting classifications (1 of 4 stars). 6 submissions from 6 submitters: Uncertain significance (5); Likely benign (1). Last evaluated 2026-01-19.

Conditions:
Breast and/or ovarian cancer. Identifiers: MedGen CN221562.
Hereditary cancer-predisposing syndrome. Also called: Neoplastic Syndromes, Hereditary; Tumor predisposition; Hereditary neoplastic syndrome; Hereditary Cancer Syndrome. Identifiers: Orphanet 140162, MedGen C0027672, MeSH D009386, MONDO:0015356.
Hereditary breast ovarian cancer syndrome. Also called: Hereditary breast and ovarian cancer syndrome; Hereditary breast and ovarian cancer; Hereditary breast and ovarian cancer syndrome (HBOC); Breast and ovarian cancer; Hereditary breast and/or ovarian cancer syndrome; BRCA1- and BRCA2-Associated Hereditary Breast and Ovarian Cancer. Identifiers: Orphanet 145, MedGen C0677776, MeSH D061325, MONDO:0003582. Disease mechanism: loss of function.

Allele frequency attached by ClinVar (database versions not stated): gnomAD exomes below 0.00001; TOPMed below 0.00001; gnomAD 0.00001.
gnomAD v4.1: 8 of 1,614,018 alleles (0.0005%); highest among the groups gnomAD compares: Non-Finnish European, 0.00068%; no homozygotes.

Submissions (6):

Women's Health and Genetics/Laboratory Corporation of America, LabCorp
Classification: Uncertain significance. Last evaluated: 2026-01-19. Review status: criteria provided, single submitter. Criteria: LabCorp Variant Classification Summary - May 2015. Collection method: clinical testing. Allele origin: germline.
Comment: Variant summary: BRCA2 c.8275G>C (p.Val2759Leu) results in a conservative amino acid change in the encoded protein sequence. Algorithms developed to predict the effect of missense changes on protein structure and function are either unavailable or do not agree on the potential impact of this missense change. The variant allele was found at a frequency of 4e-06 in 248674 control chromosomes. The available data on variant occurrences in the general population are insufficient to allow any conclusion about variant significance. To our knowledge, no occurrence of c.8275G>C in individuals affected with BRCA2-related conditions and no experimental evidence demonstrating its impact on protein function have been reported. The following publication has been ascertained in the context of this evaluation (PMID: 30181556). ClinVar contains an entry for this variant (Variation ID: 827550). Based on the evidence outlined above, the variant was classified as uncertain significance.

Ambry Genetics
Classification: Likely benign for Hereditary cancer-predisposing syndrome. Last evaluated: 2025-05-16. Review status: criteria provided, single submitter. Criteria: Ambry Variant Classification Scheme 2023. Collection method: clinical testing. Allele origin: germline.

Labcorp Genetics (formerly Invitae), Labcorp
Classification: Uncertain significance for Hereditary breast ovarian cancer syndrome. Last evaluated: 2025-05-05. Review status: criteria provided, single submitter. Criteria: Invitae Variant Classification Sherloc (09022015). Collection method: clinical testing. Allele origin: germline.
Comment: This sequence change replaces valine, which is neutral and non-polar, with leucine, which is neutral and non-polar, at codon 2759 of the BRCA2 protein (p.Val2759Leu). This variant is present in population databases (no rsID available, gnomAD 0.0009%). This variant has not been reported in the literature in individuals affected with BRCA2-related conditions. ClinVar contains an entry for this variant (Variation ID: 827550). Invitae Evidence Modeling of protein sequence and biophysical properties (such as structural, functional, and spatial information, amino acid conservation, physicochemical variation, residue mobility, and thermodynamic stability) indicates that this missense variant is not expected to disrupt BRCA2 protein function with a negative predictive value of 95%. In summary, the available evidence is currently insufficient to determine the role of this variant in disease. Therefore, it has been classified as a Variant of Uncertain Significance.

CHEO Genetics Diagnostic Laboratory, Children's Hospital of Eastern Ontario
Classification: Uncertain significance for Breast and/or ovarian cancer. Last evaluated: 2023-05-25. Review status: criteria provided, single submitter. Criteria: ACMG Guidelines, 2015. Collection method: clinical testing. Allele origin: germline.

GeneDx
Classification: Uncertain significance. Last evaluated: 2020-02-05. Review status: criteria provided, single submitter. Criteria: GeneDx Variant Classification Process June 2021. Collection method: clinical testing. Allele origin: germline. Affected: yes.
Comment: Not observed at a significant frequency in large population cohorts (Lek 2016); In silico analysis supports that this missense variant does not alter protein structure/function; Has not been previously published as pathogenic or benign to our knowledge; Also known as c.8503G>C

Color Diagnostics, LLC DBA Color Health
Classification: Uncertain significance for Hereditary cancer-predisposing syndrome. Last evaluated: 2019-07-09. Review status: criteria provided, single submitter. Criteria: ACMG Guidelines, 2015. Collection method: clinical testing. Allele origin: germline.
Comment: This missense variant replaces valine with leucine at codon 2759 of the BRCA2 protein. Computational prediction tools and conservation analyses are inconclusive regarding the impact of this variant on the protein function. Computational splicing tools suggest that this variant may not impact RNA splicing. To our knowledge, functional assays have not been performed for this variant nor has this variant been reported in individuals affected with hereditary cancer in the literature. This variant has been identified in 1/248674 chromosomes in the general population by the Genome Aggregation Database (gnomAD). Available evidence is insufficient to determine the role of this variant in disease conclusively. Therefore, this variant is classified as a Variant of Uncertain Significance.

Literature cited by the submitters: PubMed 30181556 (cited by Women's Health and Genetics/Laboratory Corporation of America, LabCorp).